The following is an entry in ClinVar:

ClinVar aggregate classification (germline): Pathogenic. Review status: reviewed by expert panel (3 of 4 stars). 4 submissions from 4 submitters: Pathogenic (1). 3 of the submissions do not count toward it. Last evaluated 2018-12-09.

Conditions:
Phenylketonuria (PKU). Also called: Phenylketonuria (PKU); FOLLING DISEASE; OLIGOPHRENIA PHENYLPYRUVICA; Phenylketonurias. Identifiers: Orphanet 716, MedGen C0031485, MONDO:0009861, OMIM 261600. Disease mechanism: loss of function.

Allele frequency attached by ClinVar (database versions not stated): ESP Exome Variant Server 0.00008.

Submissions (4):

ClinGen PAH Variant Curation Expert Panel
Classification: Pathogenic for Phenylketonuria. Last evaluated: 2018-12-09. Review status: reviewed by expert panel. Criteria: ClinGen PAH ACMG Specifications v1. Collection method: curation. Allele origin: germline. Inheritance: Autosomal recessive inheritance.
Comment: The c.823C>T (p.Pro275Ser) variant in PAH is absent from all population databases, and is in the same codon as two other likely pathogenic variants. In silico algorithms agree on a damaging effect. It has been identified in trans with two independent pathogenic variants (R408W and c.669delC; PMID: 20123475, 24705691), and a defect in BH4 metabolism was excluded as a cause of elevated phenylalanine in multiple patients. In summary, this variant meets criteria to be classified as pathogenic for PAH. PAH-specific ACMG/AMP criteria applied: PM3_strong, PM2, PP4_Moderate, PM5, PP3.

Labcorp Genetics (formerly Invitae), Labcorp
Classification: Pathogenic for Phenylketonuria. Last evaluated: 2023-04-20. Review status: criteria provided, single submitter. Criteria: Invitae Variant Classification Sherloc (09022015). Collection method: clinical testing. Allele origin: germline. Not counted in ClinVar's aggregate classification.
Comment: ClinVar contains an entry for this variant (Variation ID: 102853). This sequence change replaces proline, which is neutral and non-polar, with serine, which is neutral and polar, at codon 275 of the PAH protein (p.Pro275Ser). This variant is not present in population databases (gnomAD no frequency). This missense change has been observed in individual(s) with phenylketonuria (PMID: 32668217; BIOPKU). Advanced modeling of protein sequence and biophysical properties (such as structural, functional, and spatial information, amino acid conservation, physicochemical variation, residue mobility, and thermodynamic stability) performed at Invitae indicates that this missense variant is expected to disrupt PAH protein function. For these reasons, this variant has been classified as Pathogenic.

Counsyl
Classification: Likely pathogenic for Phenylketonuria. Last evaluated: 2018-02-07. Review status: no assertion criteria provided. Collection method: clinical testing. Allele origin: unknown. Not counted in ClinVar's aggregate classification.

DeBelle Laboratory for Biochemical Genetics, MUHC/MCH RESEARCH INSTITUTE
No classification provided. Review status: no classification provided. Collection method: not provided. Allele origin: not provided. Not counted in ClinVar's aggregate classification.

Literature cited by the submitters: PubMed 24705691 (cited by ClinGen PAH Variant Curation Expert Panel and Counsyl); PubMed 20123475 (cited by ClinGen PAH Variant Curation Expert Panel); PubMed 32668217 (cited by Labcorp Genetics (formerly Invitae), Labcorp); PubMed 22841515 (cited by Counsyl); PubMed 10598814 (cited by Counsyl).

NM_000277.3(PAH):c.823C>T (p.Pro275Ser)

Gene: PAH (phenylalanine hydroxylase; minus strand). Cytogenetic location: 12q23.2.
Variant type: single nucleotide variant.
Coding change: c.823C>T on transcript NM_000277.3 (MANE Select); coding-DNA position 823, C replaced by T.
Protein change: p.Pro275Ser; replaces proline 275 with serine.
Molecular consequence: missense variant.
Genome position (GRCh38, 1-based): chr12:102,852,834, G>A on the plus strand (C>T on the coding strand, the complement: PAH is on the minus strand). VCF-style: chr12-102852834-G-A. GRCh37 (hg19) VCF-style: chr12-103246612-G-A.
Other names: NM_000277.2(PAH):c.823C>T; c.823C>T, p.Pro275Ser (NM_001354304.2); short protein forms P275S.
Identifiers: ClinVar variation 102853 (VCV000102853.7), dbSNP rs62508691, ClinGen allele CA229789.